The following is an entry in ClinVar:

NM_016562.4(TLR7):c.349C>A (p.Gln117Lys)

Gene: TLR7 (toll like receptor 7; plus strand). Cytogenetic location: Xp22.2.
Variant type: single nucleotide variant.
Coding change: c.349C>A on transcript NM_016562.4 (MANE Select); coding-DNA position 349, C replaced by A.
Protein change: p.Gln117Lys; replaces glutamine 117 with lysine.
Molecular consequence: missense variant.
Genome position (GRCh38, 1-based): chrX:12,885,857, C>A. VCF-style: chrX-12885857-C-A. GRCh37 (hg19) VCF-style: chrX-12903976-C-A.
Other names: short protein forms Q117K.
Identifiers: ClinVar variation 2473048 (VCV002473048.5), dbSNP rs201467088, ClinGen allele CA10349920.

ClinVar aggregate classification (germline): Uncertain significance. Review status: criteria provided, multiple submitters, no conflicts (2 of 4 stars). 2 submissions from 2 submitters: Uncertain significance (2). Last evaluated 2025-06-27.

Allele frequency attached by ClinVar (database versions not stated): gnomAD exomes 0.00001; ExAC 0.00002; TOPMed below 0.00001.
gnomAD v4.1: 11 of 1,211,960 alleles (0.00091%); highest among the groups gnomAD compares: Middle Eastern, 0.092%; no homozygotes.

Submissions (2):

Labcorp Genetics (formerly Invitae), Labcorp
Classification: Uncertain significance. Last evaluated: 2025-06-27. Review status: criteria provided, single submitter. Criteria: Invitae Variant Classification Sherloc (09022015). Collection method: clinical testing. Allele origin: germline.
Comment: This sequence change replaces glutamine, which is neutral and polar, with lysine, which is basic and polar, at codon 117 of the TLR7 protein (p.Gln117Lys). This variant is present in population databases (rs201467088, gnomAD 0.005%). This variant has not been reported in the literature in individuals affected with TLR7-related conditions. ClinVar contains an entry for this variant (Variation ID: 2473048). An algorithm developed to predict the effect of missense changes on protein structure and function (PolyPhen-2) suggests that this variant is likely to be tolerated. In summary, the available evidence is currently insufficient to determine the role of this variant in disease. Therefore, it has been classified as a Variant of Uncertain Significance.

Ambry Genetics
Classification: Uncertain significance. Last evaluated: 2023-03-01. Review status: criteria provided, single submitter. Criteria: Ambry Variant Classification Scheme 2023. Collection method: clinical testing. Allele origin: germline.